The following is an entry in ClinVar:

ClinVar aggregate classification (germline): Uncertain significance (1 of 4 stars; one submission).

Conditions:
Adams-Oliver syndrome 5 (AOS5). Identifiers: Orphanet 974, MedGen C4014970, MONDO:0014459, OMIM 616028.

Allele frequency attached by ClinVar (database versions not stated): gnomAD exomes below 0.00001.
gnomAD v4.1: 1 of 1,612,852 alleles (0.000062%); highest among the groups gnomAD compares: Non-Finnish European, 0.000085%; no homozygotes.

Submission:

Labcorp Genetics (formerly Invitae), Labcorp
Classification: Uncertain significance for Adams-Oliver syndrome 5. Last evaluated: 2022-11-20. Review status: criteria provided, single submitter. Criteria: Invitae Variant Classification Sherloc (09022015). Collection method: clinical testing. Allele origin: germline.
Comment: This sequence change replaces leucine, which is neutral and non-polar, with proline, which is neutral and non-polar, at codon 301 of the NOTCH1 protein (p.Leu301Pro). This variant is present in population databases (no rsID available, gnomAD 0.0009%). This variant has not been reported in the literature in individuals affected with NOTCH1-related conditions. Algorithms developed to predict the effect of missense changes on protein structure and function (SIFT, PolyPhen-2, Align-GVGD) all suggest that this variant is likely to be disruptive. In summary, the available evidence is currently insufficient to determine the role of this variant in disease. Therefore, it has been classified as a Variant of Uncertain Significance.

NM_017617.5(NOTCH1):c.902T>C (p.Leu301Pro)

Gene: NOTCH1 (notch receptor 1; minus strand). Cytogenetic location: 9q34.3.
Variant type: single nucleotide variant.
Coding change: c.902T>C on transcript NM_017617.5 (MANE Select); coding-DNA position 902, T replaced by C.
Protein change: p.Leu301Pro; replaces leucine 301 with proline.
Molecular consequence: missense variant.
Genome position (GRCh38, 1-based): chr9:136,518,788, A>G on the plus strand (T>C on the coding strand, the complement: NOTCH1 is on the minus strand). VCF-style: chr9-136518788-A-G. GRCh37 (hg19) VCF-style: chr9-139413240-A-G.
Other names: short protein forms L301P.
Identifiers: ClinVar variation 2815394 (VCV002815394.3), dbSNP rs1354385699, ClinGen allele CA375565846.